The following is an entry in ClinVar:

NM_015295.3(SMCHD1):c.4120A>G (p.Lys1374Glu)

Gene: SMCHD1 (structural maintenance of chromosomes flexible hinge domain containing 1; plus strand). Cytogenetic location: 18p11.32.
Variant type: single nucleotide variant.
Coding change: c.4120A>G on transcript NM_015295.3 (MANE Select); coding-DNA position 4120, A replaced by G.
Protein change: p.Lys1374Glu; replaces lysine 1374 with glutamic acid.
Molecular consequence: missense variant.
Genome position (GRCh38, 1-based): chr18:2,750,462, A>G. VCF-style: chr18-2750462-A-G. GRCh37 (hg19) VCF-style: chr18-2750460-A-G.
Other names: short protein forms K1374E.
Identifiers: ClinVar variation 4694924 (VCV004694924.1).

ClinVar aggregate classification (germline): Uncertain significance (1 of 4 stars; one submission).

Conditions:
Facioscapulohumeral muscular dystrophy 2 (FSHD2). Also called: MUSCULAR DYSTROPHY, FACIOSCAPULOHUMERAL, TYPE 1B; FACIOSCAPULOHUMERAL MUSCULAR DYSTROPHY 2, DIGENIC; FSHD2, DIGENIC. Identifiers: Orphanet 269, MedGen C1834671, MONDO:0008031, OMIM 158901.

Submission:

Labcorp Genetics (formerly Invitae), Labcorp
Classification: Uncertain significance for Facioscapulohumeral muscular dystrophy 2. Last evaluated: 2025-12-23. Review status: criteria provided, single submitter. Criteria: Invitae Variant Classification Sherloc (09022015). Collection method: clinical testing. Allele origin: germline.
Comment: This sequence change replaces lysine, which is basic and polar, with glutamic acid, which is acidic and polar, at codon 1374 of the SMCHD1 protein (p.Lys1374Glu). This variant is not present in population databases (gnomAD no frequency). This variant has not been reported in the literature in individuals affected with SMCHD1-related conditions. Invitae Evidence Modeling of protein sequence and biophysical properties (such as structural, functional, and spatial information, amino acid conservation, physicochemical variation, residue mobility, and thermodynamic stability) indicates that this missense variant is not expected to disrupt SMCHD1 protein function with a negative predictive value of 80%. In summary, the available evidence is currently insufficient to determine the role of this variant in disease. Therefore, it has been classified as a Variant of Uncertain Significance.